The following is an entry in ClinVar:

NM_006907.4(PYCR1):c.396dup (p.Thr133fs)

Gene: PYCR1 (pyrroline-5-carboxylate reductase 1; minus strand). Cytogenetic location: 17q25.3.
Variant type: Duplication.
Coding change: c.396dup on transcript NM_006907.4 (MANE Select); coding-DNA position 396, one base duplicated (C; older notation c.396dupC).
Protein change: p.Thr133fs; shifts the reading frame from threonine 133.
Molecular consequence: frameshift variant.
Genome position (GRCh38, 1-based): chr17:81,935,070, G duplicated on the plus strand (C on the coding strand, the reverse complement: PYCR1 is on the minus strand); the first of 2 consecutive G bases (chr17:81,935,070-81,935,071); duplicating either gives the same sequence. VCF-style (leftmost placement, unchanged base first): chr17-81935069-T-TG. GRCh37 (hg19) VCF-style: chr17-79892945-T-TG.
Other names: c.396dup, p.Thr133fs (NM_001282279.2, NM_001282280.2, NM_001330523.2 and 1 more transcripts); c.477dup, p.Thr160fs (NM_001282281.2); c.396dupC (NM_001330523.2); short protein forms T133fs, T160fs.
Identifiers: ClinVar variation 5042066 (VCV005042066.1).

ClinVar aggregate classification (germline): Pathogenic (1 of 4 stars; one submission).

Conditions:
Autosomal recessive cutis laxa type 2B (ARCL2B). Also called: CUTIS LAXA, AUTOSOMAL RECESSIVE, TYPE IIB; CUTIS LAXA WITH PROGEROID FEATURES. Identifiers: Orphanet 357064, MedGen C2751987, MONDO:0013051, OMIM 612940. Disease mechanism: loss of function.

Submission:

Cellular and Molecular Research Center, Cellular and Molecular Medicine Research Institute,, Urmia University of Medical Sciences
Classification: Pathogenic for Autosomal recessive cutis laxa type 2B. Last evaluated: 2026-10-14. Review status: criteria provided, single submitter. Criteria: ACMG Guidelines, 2015. Collection method: clinical testing. Allele origin: germline. Inheritance: Autosomal recessive inheritance. Affected: yes. Observed: 1 variant allele, 1 homozygote.
Comment: The PYCR1 gene (OMIM: 179035) encodes pyrroline-5-carboxylate reductase 1, a mitochondrial enzyme that catalyses the final step in the biosynthesis of proline from pyrroline-5-carboxylate (P5C). The enzyme plays an important role in proline metabolism, mitochondrial function, and connective tissue development. Birth weight was 2100 g, length 45 cm, and head circumference 32 cm, all below the growth chart lines. Postnatal evaluation showed a left-to-right shunt on echocardiography, a very small left kidney, left undescended testis, and agenesis of the corpus callosum on brain MRI. Genetic testing identified a homozygous frameshift variant in PYCR1 (NM_001330523:exon5:c.396dupC, p.Thr133HisfsTer35; chr17:79892945). The variant is not listed in ClinVar or InterVar, whereas VarSome classifies it as pathogenic. As a frameshift variant predicted to cause premature termination in a gene where loss of function is the established disease mechanism, segregating appropriately in the family and found in a patient with a compatible progeroid phenotype with growth restriction, this study also supports its classification as pathogenic.

Literature cited by the submitters: DOI 10.1016/j.ymgme.2013.08.009.